The following is an entry in ClinVar:

NM_001904.4(CTNNB1):c.2076+1G>A

Gene: CTNNB1 (catenin beta 1; plus strand). Cytogenetic location: 3p22.1.
Variant type: single nucleotide variant.
Coding change: c.2076+1G>A on transcript NM_001904.4 (MANE Select); the canonical splice donor site of the intron after coding-DNA position 2076, G replaced by A.
Molecular consequence: splice donor variant.
Genome position (GRCh38, 1-based): chr3:41,236,710, G>A. VCF-style: chr3-41236710-G-A. GRCh37 (hg19) VCF-style: chr3-41278201-G-A.
Other names: c.2055+1G>A (NM_001330729.2); c.2076+1G>A (NM_001098209.2, NM_001098210.2).
Identifiers: ClinVar variation 3897598 (VCV003897598.1).

ClinVar aggregate classification (germline): Pathogenic (1 of 4 stars; one submission).

Conditions:
Severe intellectual disability-progressive spastic diplegia syndrome (NEDSDV). Also called: NEURODEVELOPMENTAL DISORDER WITH SPASTIC DIPLEGIA AND VISUAL DEFECTS; CTNNB1 Neurodevelopmental Disorder. Identifiers: Orphanet 404473, MedGen C3554449, MONDO:0014035, OMIM 615075.

Submission:

Genetics Laboratory, UDIAT-Centre Diagnòstic, Hospital Universitari Parc Tauli
Classification: Pathogenic for severe intellectual disability-progressive spastic diplegia syndrome. Last evaluated: 2022-10-24. Review status: criteria provided, single submitter. Criteria: ACMG Guidelines, 2015. Collection method: clinical testing. Allele origin: unknown. Inheritance: Autosomal dominant inheritance. Affected: yes.
Comment: PM2_supporting;PM6_moderate